The following is an entry in ClinVar:

ClinVar aggregate classification (germline): Pathogenic (1 of 4 stars; one submission).

Conditions:
Primary ciliary dyskinesia 3. Identifiers: Orphanet 244, MedGen C1837618, MONDO:0012085, OMIM 608644.

Submission:

Myriad Genetics, Inc.
Classification: Pathogenic for Primary ciliary dyskinesia 3. Last evaluated: 2024-05-14. Review status: criteria provided, single submitter. Criteria: Myriad Autosomal Dominant, Autosomal Recessive and X-Linked Classification Criteria (2023). Collection method: clinical testing. Allele origin: unknown.
Comment: NM_001369.2(DNAH5):c.1618_1619delTTinsACAG(F540Tfs*31) is expected to be pathogenic in the context of primary ciliary dyskinesia, DNAH5-related. This variant is predicted to lead to an abnormal or absent protein product due to the creation of a premature termination codon in DNAH5, a gene where loss-of-function variants are known to be pathogenic. Please note: this variant was assessed in the context of healthy population screening.

NM_001369.3(DNAH5):c.1618_1619delinsACAG (p.Phe540fs)

Gene: DNAH5 (dynein axonemal heavy chain 5; minus strand). Cytogenetic location: 5p15.2.
Variant type: Indel.
Coding change: c.1618_1619delinsACAG on transcript NM_001369.3 (MANE Select); coding-DNA positions 1618 to 1619, TT replaced by ACAG.
Protein change: p.Phe540fs; shifts the reading frame from phenylalanine 540.
Molecular consequence: frameshift variant.
Genome position (GRCh38, 1-based): chr5:13,911,411-13,911,412, AA replaced by CTGT on the plus strand (TT replaced by ACAG on the coding strand, the reverse complement: DNAH5 is on the minus strand). VCF-style: chr5-13911411-AA-CTGT. GRCh37 (hg19) VCF-style: chr5-13911520-AA-CTGT.
Other names: short protein forms F540fs.
Identifiers: ClinVar variation 5010729 (VCV005010729.1).